The following is an entry in ClinVar:

ClinVar aggregate classification (germline): Conflicting classifications of pathogenicity. Review status: criteria provided, conflicting classifications (1 of 4 stars). 4 submissions from 4 submitters: Uncertain significance (1); Likely benign (3). Last evaluated 2026-02-18.

Conditions:
Hereditary sensory neuropathy-deafness-dementia syndrome. Also called: NEUROPATHY, HEREDITARY SENSORY, WITH HEARING LOSS AND DEMENTIA; Hereditary Sensory and Autonomic Neuropathy Type 1E (HSAN1E); HSN IE; Hereditary sensory neuropathy type IE. Identifiers: Orphanet 456318, MedGen C3279885, MONDO:0013584, OMIM 614116.
DNMT1-related disorder. Also called: DNMT1-related condition. Identifiers: MedGen CN381527.

Allele frequency attached by ClinVar (database versions not stated): gnomAD exomes 0.00002 and 0.00003; TOPMed 0.00006.
gnomAD v4.1: 52 of 1,614,008 alleles (0.0032%); highest among the groups gnomAD compares: African/African-American, 0.0053%; no homozygotes.

Submissions (4):

PreventionGenetics, part of Exact Sciences
Classification: Likely benign for DNMT1-related condition. Last evaluated: 2026-02-18. Review status: criteria provided, single submitter. Criteria: ACMG Guidelines, 2015. Collection method: clinical testing. Allele origin: germline.
Comment: This variant is classified as likely benign based on ACMG/AMP sequence variant interpretation guidelines (Richards et al. 2015 PMID: 25741868, with internal and published modifications).

Women's Health and Genetics/Laboratory Corporation of America, LabCorp
Classification: Likely benign. Last evaluated: 2025-06-19. Review status: criteria provided, single submitter. Criteria: LabCorp Variant Classification Summary - May 2015. Collection method: clinical testing. Allele origin: germline.

Labcorp Genetics (formerly Invitae), Labcorp
Classification: Likely benign for Hereditary sensory neuropathy-deafness-dementia syndrome. Last evaluated: 2024-10-10. Review status: criteria provided, single submitter. Criteria: Invitae Variant Classification Sherloc (09022015). Collection method: clinical testing. Allele origin: germline.

Illumina Laboratory Services, Illumina
Classification: Uncertain significance for Hereditary sensory neuropathy-deafness-dementia syndrome. Last evaluated: 2018-01-13. Review status: criteria provided, single submitter. Criteria: ICSL Variant Classification Criteria 13 December 2019. Collection method: clinical testing. Allele origin: germline.

NM_001130823.3(DNMT1):c.867C>T (p.Asp289=)

Gene: DNMT1 (DNA methyltransferase 1; minus strand). Cytogenetic location: 19p13.2.
Variant type: single nucleotide variant.
Coding change: c.867C>T on transcript NM_001130823.3 (MANE Select); coding-DNA position 867, C replaced by T.
Protein change: p.Asp289=; no amino-acid change (aspartic acid 289 retained).
Molecular consequence: synonymous variant.
Genome position (GRCh38, 1-based): chr19:10,166,622, G>A on the plus strand (C>T on the coding strand, the complement: DNMT1 is on the minus strand). VCF-style: chr19-10166622-G-A. GRCh37 (hg19) VCF-style: chr19-10277298-G-A.
Other names: c.819C>T, p.Asp273= (NM_001318730.2, NM_001379.4); c.504C>T, p.Asp168= (NM_001318731.2); c.867C>T (NM_001130823.2).
Identifiers: ClinVar variation 706949 (VCV000706949.17), dbSNP rs750916721, ClinGen allele CA9188558.